The following is an entry in ClinVar:

NM_005465.7(AKT3):c.284+2T>G

Gene: AKT3 (AKT serine/threonine kinase 3; minus strand). Cytogenetic location: 1q44.
Variant type: single nucleotide variant.
Coding change: c.284+2T>G on transcript NM_005465.7 (MANE Select); the canonical splice donor site of the intron after coding-DNA position 284, T replaced by G.
Molecular consequence: splice donor variant.
Genome position (GRCh38, 1-based): chr1:243,664,770, A>C on the plus strand (T>G on the coding strand, the complement: AKT3 is on the minus strand). VCF-style: chr1-243664770-A-C. GRCh37 (hg19) VCF-style: chr1-243828072-A-C.
Other names: c.284+2T>G (NM_181690.2, NM_001370074.1, NM_001206729.2).
Identifiers: ClinVar variation 928607 (VCV000928607.1), dbSNP rs1682654244, ClinGen allele CA345669144.

ClinVar aggregate classification (germline): Uncertain significance (1 of 4 stars; one submission).

Submission:

Women's Health and Genetics/Laboratory Corporation of America, LabCorp
Classification: Uncertain significance. Last evaluated: 2019-03-21. Review status: criteria provided, single submitter. Criteria: LabCorp Variant Classification Summary - May 2015. Collection method: clinical testing. Allele origin: germline.
Comment: Variant summary: AKT3 c.284+2T>G is located in a canonical splice-site and is predicted to affect mRNA splicing resulting in a significantly altered protein due to either exon skipping, shortening, or inclusion of intronic material. Several computational tools predict a significant impact on normal splicing: Five predict the variant abolishes a 5' splicing donor site. However, these predictions have yet to be confirmed by functional studies. The variant was absent in 186920 control chromosomes (gnomAD). The available data on variant occurrences in the general population are insufficient to allow any conclusion about variant significance. To our knowledge, no occurrence of c.284+2T>G in individuals affected with Megalencephaly-polymicrogyria-polydactyly-hydrocephalus syndrome 2 and no experimental evidence demonstrating its impact on protein function have been reported. No clinical diagnostic laboratories have submitted clinical-significance assessments for this variant to ClinVar after 2014. Based on the evidence outlined above, the variant was classified as uncertain significance.